The following is an entry in ClinVar:

NM_025000.4(DCAF17):c.85C>T (p.Gln29Ter)

Genes: METTL8 (methyltransferase 8, tRNA N3-cytidine; minus strand), DCAF17 (DDB1 and CUL4 associated factor 17; plus strand). Cytogenetic location: 2q31.1.
Variant type: single nucleotide variant.
Coding change: c.85C>T on transcript NM_025000.4 (MANE Select); coding-DNA position 85, C replaced by T.
Protein change: p.Gln29Ter; replaces glutamine 29 with a stop codon.
Molecular consequence: nonsense. On other transcripts: non-coding transcript variant (1), intron variant (4).
Genome position (GRCh38, 1-based): chr2:171,434,662, C>T. VCF-style: chr2-171434662-C-T. GRCh37 (hg19) VCF-style: chr2-172291172-C-T.
Other names: c.85C>T, p.Gln29Ter (NM_001164821.2); c.8+12G>A (NM_001321161.2, NM_001321158.2, NM_001321157.2); c.-13+12G>A (NM_024770.5); short protein forms Q29*.
Identifiers: ClinVar variation 571994 (VCV000571994.8), dbSNP rs868533593, ClinGen allele CA349597873.

ClinVar aggregate classification (germline): Pathogenic/Likely pathogenic. Review status: criteria provided, multiple submitters, no conflicts (2 of 4 stars). 2 submissions from 2 submitters: Pathogenic (1); Likely pathogenic (1). Last evaluated 2023-05-28.

Conditions:
Woodhouse-Sakati syndrome. Also called: Hypogonadism, Alopecia, Diabetes Mellitus, Mental Retardation, and Extrapyramidal Syndrome; Hypogonadism, diabetes mellitus, alopecia, mental retardation and electrocardiographic abnormalities; EXTRAPYRAMIDAL DISORDER, PROGRESSIVE, WITH PRIMARY HYPOGONADISM, MENTAL RETARDATION, AND ALOPECIA. Identifiers: Orphanet 3464, MedGen C0342286, MONDO:0009419, OMIM 241080.

Allele frequency attached by ClinVar (database versions not stated): gnomAD exomes below 0.00001; TOPMed below 0.00001.
gnomAD v4.1: 2 of 1,530,366 alleles (0.00013%); highest among the groups gnomAD compares: Admixed American, 0.002%; no homozygotes.

Submissions (2):

Labcorp Genetics (formerly Invitae), Labcorp
Classification: Pathogenic for Woodhouse-Sakati syndrome. Last evaluated: 2023-05-28. Review status: criteria provided, single submitter. Criteria: Invitae Variant Classification Sherloc (09022015). Collection method: clinical testing. Allele origin: germline.
Comment: For these reasons, this variant has been classified as Pathogenic. This sequence change creates a premature translational stop signal (p.Gln29*) in the DCAF17 gene. It is expected to result in an absent or disrupted protein product. Loss-of-function variants in DCAF17 are known to be pathogenic (PMID: 19026396, 20507343). The frequency data for this variant in the population databases is considered unreliable, as metrics indicate poor data quality at this position in the gnomAD database. This variant has not been reported in the literature in individuals affected with DCAF17-related conditions. ClinVar contains an entry for this variant (Variation ID: 571994).

Department of Pathology and Laboratory Medicine, Sinai Health System
Classification: Likely pathogenic for Woodhouse-Sakati syndrome. Last evaluated: 2023-04-11. Review status: criteria provided, single submitter. Criteria: ACMG Guidelines, 2015. Collection method: research. Allele origin: germline.

Literature cited by the submitters: PubMed 19026396 (cited by Labcorp Genetics (formerly Invitae), Labcorp); PubMed 20507343 (cited by Labcorp Genetics (formerly Invitae), Labcorp).